The following is an entry in ClinVar:

ClinVar aggregate classification (germline): Uncertain significance. Review status: criteria provided, multiple submitters, no conflicts (2 of 4 stars). 2 submissions from 2 submitters: Uncertain significance (2). Last evaluated 2024-09-08.

Conditions:
Inborn genetic diseases. Identifiers: MedGen C0950123, MeSH D030342.

Allele frequency attached by ClinVar (database versions not stated): gnomAD exomes 0.00001 and 0.00003; TOPMed 0.00001.
gnomAD v4.1: 10 of 1,614,120 alleles (0.00062%); highest among the groups gnomAD compares: Admixed American, 0.012%; no homozygotes.

Submissions (2):

Ambry Genetics
Classification: Uncertain significance for Inborn genetic diseases. Last evaluated: 2024-09-08. Review status: criteria provided, single submitter. Criteria: Ambry Variant Classification Scheme 2023. Collection method: clinical testing. Allele origin: germline.

Labcorp Genetics (formerly Invitae), Labcorp
Classification: Uncertain significance. Last evaluated: 2021-12-19. Review status: criteria provided, single submitter. Criteria: Invitae Variant Classification Sherloc (09022015). Collection method: clinical testing. Allele origin: germline.
Comment: In summary, the available evidence is currently insufficient to determine the role of this variant in disease. Therefore, it has been classified as a Variant of Uncertain Significance. Algorithms developed to predict the effect of missense changes on protein structure and function are either unavailable or do not agree on the potential impact of this missense change (SIFT: "Deleterious"; PolyPhen-2: "Benign"; Align-GVGD: "Class C15"). This variant has not been reported in the literature in individuals affected with LTBP2-related conditions. This variant is present in population databases (rs770939213, gnomAD 0.02%). This sequence change replaces lysine, which is basic and polar, with glutamic acid, which is acidic and polar, at codon 1275 of the LTBP2 protein (p.Lys1275Glu).

NM_000428.3(LTBP2):c.3823A>G (p.Lys1275Glu)

Gene: LTBP2 (latent transforming growth factor beta binding protein 2; minus strand). Cytogenetic location: 14q24.3.
Variant type: single nucleotide variant.
Coding change: c.3823A>G on transcript NM_000428.3 (MANE Select); coding-DNA position 3823, A replaced by G.
Protein change: p.Lys1275Glu; replaces lysine 1275 with glutamic acid.
Molecular consequence: missense variant.
Genome position (GRCh38, 1-based): chr14:74,507,263, T>C on the plus strand (A>G on the coding strand, the complement: LTBP2 is on the minus strand). VCF-style: chr14-74507263-T-C. GRCh37 (hg19) VCF-style: chr14-74973966-T-C.
Other names: c.3823A>G (NM_000428.2); short protein forms K1275E.
Identifiers: ClinVar variation 1499722 (VCV001499722.7), dbSNP rs770939213, ClinGen allele CA263583372.